The following is an entry in ClinVar:

NM_001160148.2(DDHD1):c.2358G>A (p.Lys786=)

Gene: DDHD1 (DDHD domain containing 1; minus strand). Cytogenetic location: 14q22.1.
Variant type: single nucleotide variant.
Coding change: c.2358G>A on transcript NM_001160148.2 (MANE Select); coding-DNA position 2358, G replaced by A.
Protein change: p.Lys786=; no amino-acid change (lysine 786 retained).
Molecular consequence: synonymous variant.
Genome position (GRCh38, 1-based): chr14:53,054,517, C>T on the plus strand (G>A on the coding strand, the complement: DDHD1 is on the minus strand). VCF-style: chr14-53054517-C-T. GRCh37 (hg19) VCF-style: chr14-53521235-C-T.
Other names: c.2379G>A, p.Lys793= (NM_001160147.2); c.2358G>A, p.Lys786= (NM_030637.3).
Identifiers: ClinVar variation 1675540 (VCV001675540.38), dbSNP rs759300334, ClinGen allele CA7191013.
Genomic context (GRCh38, chr14:53,054,517, plus strand): 5'-AGAACTGCTATGTGGAAGGGTCTGTGTCCCTACGGTGGTAGCAGAAGGTGAGGCAACTGG[C>T]TTCTTCTCATCTTCCATTGAGTCTTTTGATGTTTCAGATGACTGTGTTGTAGATGAACGT-3'
Protein context (NP_001153620.1, residues 776-796): TSKDSMEDEK[Lys786=]PVASPSATTV

ClinVar aggregate classification (germline): Likely benign. Review status: criteria provided, multiple submitters, no conflicts (2 of 4 stars). 2 submissions from 2 submitters: Likely benign (2). Last evaluated 2025-11-03.

Conditions:
Hereditary spastic paraplegia 28. Also called: Spastic paraplegia 28, autosomal recessive. Identifiers: Orphanet 101008, MedGen C1836295, MONDO:0012256, OMIM 609340.

Allele frequency attached by ClinVar (database versions not stated): gnomAD 0.00001; ExAC 0.00002; gnomAD exomes 0.00002; TOPMed 0.00005.
gnomAD v4.1: 16 of 1,613,992 alleles (0.00099%); highest among the groups gnomAD compares: South Asian, 0.0066%; no homozygotes.

Submissions (2):

Labcorp Genetics (formerly Invitae), Labcorp
Classification: Likely benign for Hereditary spastic paraplegia 28. Last evaluated: 2025-11-03. Review status: criteria provided, single submitter. Criteria: Invitae Variant Classification Sherloc (09022015). Collection method: clinical testing. Allele origin: germline.

CeGaT Center for Human Genetics Tuebingen
Classification: Likely benign. Last evaluated: 2024-05-01. Review status: criteria provided, single submitter. Criteria: CeGaT Center For Human Genetics Tuebingen Variant Classification Criteria Version 2. Collection method: clinical testing. Allele origin: germline. Affected: yes. Observed: 2 variant alleles.
Comment: DDHD1: BP4, BP7